The following is an entry in ClinVar:

NM_000883.4(IMPDH1):c.942_943delinsCC (p.Lys314_Asn315delinsAsnHis)

Gene: IMPDH1 (inosine monophosphate dehydrogenase 1; minus strand). Cytogenetic location: 7q32.1.
Variant type: Indel.
Coding change: c.942_943delinsCC on transcript NM_000883.4 (MANE Select); coding-DNA positions 942 to 943, GA replaced by CC.
Protein change: p.Lys314_Asn315delinsAsnHis.
Molecular consequence: missense variant.
Genome position (GRCh38, 1-based): chr7:128,398,545-128,398,546, TC replaced by GG on the plus strand (GA replaced by CC on the coding strand, the reverse complement: IMPDH1 is on the minus strand). VCF-style: chr7-128398545-TC-GG. GRCh37 (hg19) VCF-style: chr7-128038599-TC-GG.
Other names: c.912_913delinsCC, p.Lys304_Asn305delinsAsnHis (NM_001102605.2); c.687_688delinsCC, p.Lys229_Asn230delinsAsnHis (NM_001142573.2); c.672_673delinsCC, p.Lys224_Asn225delinsAsnHis (NM_001142574.2); c.612_613delinsCC, p.Lys204_Asn205delinsAsnHis (NM_001142575.2); c.843_844delinsCC, p.Lys281_Asn282delinsAsnHis (NM_001142576.2); c.735_736delinsCC, p.Lys245_Asn246delinsAsnHis (NM_001304521.2); c.834_835delinsCC, p.Lys278_Asn279delinsAsnHis (NM_183243.3).
Identifiers: ClinVar variation 1993097 (VCV001993097.4), dbSNP rs2535752425, ClinGen allele CA2580076515.

ClinVar aggregate classification (germline): Uncertain significance (1 of 4 stars; one submission).

Submission:

Labcorp Genetics (formerly Invitae), Labcorp
Classification: Uncertain significance. Last evaluated: 2022-05-11. Review status: criteria provided, single submitter. Criteria: Invitae Variant Classification Sherloc (09022015). Collection method: clinical testing. Allele origin: germline.
Comment: In summary, the available evidence is currently insufficient to determine the role of this variant in disease. Therefore, it has been classified as a Variant of Uncertain Significance. Experimental studies and prediction algorithms are not available or were not evaluated, and the functional significance of this variant is currently unknown. This variant has been observed in individual(s) with IMPDH1-related conditions (Invitae). Information on the frequency of this variant in the gnomAD database is not available, as this variant may be reported differently in the database. This variant, c.942_943delinsCC, is a complex sequence change that results in the substitution of 2 amino acid(s) in the IMPDH1 protein (p.Lys314_Asn315delinsAsnHis).